The following is an entry in ClinVar:

ClinVar aggregate classification (germline): Uncertain significance (1 of 4 stars; one submission).

Conditions:
Osteogenesis imperfecta type I (OI1). Also called: OI, TYPE I; OSTEOGENESIS IMPERFECTA TARDA; OSTEOGENESIS IMPERFECTA WITH BLUE SCLERAE; Osteogenesis imperfecta type 1; Lobstein's Disease; Classic Non-deforming Osteogenesis Imperfecta with Blue Sclerae. Identifiers: Orphanet 216796, Orphanet 666, MedGen C0023931, MONDO:0008146, OMIM 166200. Disease mechanism: loss of function.

Submission:

Labcorp Genetics (formerly Invitae), Labcorp
Classification: Uncertain significance for Osteogenesis imperfecta type I. Last evaluated: 2023-08-27. Review status: criteria provided, single submitter. Criteria: Invitae Variant Classification Sherloc (09022015). Collection method: clinical testing. Allele origin: germline.
Comment: In summary, the available evidence is currently insufficient to determine the role of this variant in disease. Therefore, it has been classified as a Variant of Uncertain Significance. Variants that disrupt the consensus splice site are a relatively common cause of aberrant splicing (PMID: 17576681, 9536098). Algorithms developed to predict the effect of sequence changes on RNA splicing suggest that this variant may disrupt the consensus splice site. This variant has not been reported in the literature in individuals affected with COL1A1-related conditions. This variant is not present in population databases (gnomAD no frequency). This sequence change falls in intron 21 of the COL1A1 gene. It does not directly change the encoded amino acid sequence of the COL1A1 protein. It affects a nucleotide within the consensus splice site.

Literature cited by the submitters: PubMed 17576681; PubMed 9536098.

NM_000088.4(COL1A1):c.1461+2dup

Gene: COL1A1 (collagen type I alpha 1 chain; minus strand). Cytogenetic location: 17q21.33.
Variant type: Duplication.
Coding change: c.1461+2dup on transcript NM_000088.4 (MANE Select); the canonical splice donor site of the intron after coding-DNA position 1461, one base duplicated (T; older notation c.1461+2dupT).
Molecular consequence: splice donor variant.
Genome position (GRCh38, 1-based): chr17:50,194,719, A duplicated on the plus strand (T on the coding strand, the reverse complement: COL1A1 is on the minus strand). VCF-style (leftmost placement, unchanged base first): chr17-50194718-T-TA. GRCh37 (hg19) VCF-style: chr17-48272079-T-TA.
Identifiers: ClinVar variation 2755579 (VCV002755579.3), dbSNP rs2509221774, ClinGen allele CA2695226652.